The following is an entry in ClinVar:

ClinVar aggregate classification (germline): Uncertain significance (1 of 4 stars; one submission).

Conditions:
Microcephaly, normal intelligence and immunodeficiency (NBS). Also called: IMMUNODEFICIENCY, MICROCEPHALY, AND CHROMOSOMAL INSTABILITY; Ataxia telangiectasia variant V1; SEEMANOVA SYNDROME II; BERLIN BREAKAGE SYNDROME; Immunodeficiency, microcephaly with normal intelligence; Nijmegen breakage syndrome. Identifiers: Orphanet 647, MedGen C0398791, MONDO:0009623, OMIM 251260.

Submission:

Labcorp Genetics (formerly Invitae), Labcorp
Classification: Uncertain significance for Microcephaly, normal intelligence and immunodeficiency. Last evaluated: 2022-09-03. Review status: criteria provided, single submitter. Criteria: Invitae Variant Classification Sherloc (09022015). Collection method: clinical testing. Allele origin: germline.
Comment: In summary, the available evidence is currently insufficient to determine the role of this variant in disease. Therefore, it has been classified as a Variant of Uncertain Significance. Algorithms developed to predict the effect of missense changes on protein structure and function are either unavailable or do not agree on the potential impact of this missense change (SIFT: "Deleterious"; PolyPhen-2: "Probably Damaging"; Align-GVGD: "Class C0"). This variant has not been reported in the literature in individuals affected with NBN-related conditions. This variant is not present in population databases (gnomAD no frequency). This sequence change replaces leucine, which is neutral and non-polar, with phenylalanine, which is neutral and non-polar, at codon 297 of the NBN protein (p.Leu297Phe).

NM_002485.5(NBN):c.889C>T (p.Leu297Phe)

Gene: NBN (nibrin; minus strand). Cytogenetic location: 8q21.3.
Variant type: single nucleotide variant.
Coding change: c.889C>T on transcript NM_002485.5 (MANE Select); coding-DNA position 889, C replaced by T.
Protein change: p.Leu297Phe; replaces leucine 297 with phenylalanine.
Molecular consequence: missense variant.
Genome position (GRCh38, 1-based): chr8:89,970,371, G>A on the plus strand (C>T on the coding strand, the complement: NBN is on the minus strand). VCF-style: chr8-89970371-G-A. GRCh37 (hg19) VCF-style: chr8-90982599-G-A.
Other names: c.643C>T, p.Leu215Phe (NM_001024688.3); short protein forms L297F, L215F.
Identifiers: ClinVar variation 2136686 (VCV002136686.4), dbSNP rs2488308762, ClinGen allele CA371658183.
Genomic context (GRCh38, chr8:89,970,371, plus strand): 5'-AAACATAAAATCTCCTACTTGCAGTTTTTTACTAATAAAGAATAATTCTATACCTTTGGA[G>A]CATATCCATTATTGACTGAATCCATTTCTTCTGACAGTCAGGAATTAAGGTCTGTGAGTT-3'
Protein context (NP_002476.2, residues 287-307): KKWIQSIMDM[Leu297Phe]QRQGLRPIPE